The following is an entry in ClinVar:

ClinVar aggregate classification (germline): Likely benign (1 of 4 stars; one submission).

gnomAD v4.1: 93 of 1,613,938 alleles (0.0058%); highest among the groups gnomAD compares: African/African-American, 0.11%; no homozygotes.

Submission:

CeGaT Center for Human Genetics Tuebingen
Classification: Likely benign. Last evaluated: 2025-07-01. Review status: criteria provided, single submitter. Criteria: CeGaT Center For Human Genetics Tuebingen Variant Classification Criteria Version 2. Collection method: clinical testing. Allele origin: germline. Affected: yes. Observed: 1 variant allele.
Comment: GTF3C5: BP4, BP7

NM_012087.4(GTF3C5):c.1548G>A (p.Leu516=)

Gene: GTF3C5 (general transcription factor IIIC subunit 5; plus strand). Cytogenetic location: 9q34.13.
Variant type: single nucleotide variant.
Coding change: c.1548G>A on transcript NM_012087.4 (MANE Select); coding-DNA position 1548, G replaced by A.
Protein change: p.Leu516=; no amino-acid change (leucine 516 retained).
Molecular consequence: synonymous variant.
Genome position (GRCh38, 1-based): chr9:133,057,968, G>A. VCF-style: chr9-133057968-G-A. GRCh37 (hg19) VCF-style: chr9-135933355-G-A.
Other names: c.1569G>A, p.Leu523= (NM_001122823.2); c.1026G>A, p.Leu342= (NM_001286709.2).
Identifiers: ClinVar variation 4084931 (VCV004084931.8).